The following is an entry in ClinVar:

NM_001374504.1(TMPRSS6):c.1493C>T (p.Pro498Leu)

Gene: TMPRSS6 (transmembrane serine protease 6; minus strand). Cytogenetic location: 22q12.3.
Variant type: single nucleotide variant.
Coding change: c.1493C>T on transcript NM_001374504.1 (MANE Select); coding-DNA position 1493, C replaced by T.
Protein change: p.Pro498Leu; replaces proline 498 with leucine.
Molecular consequence: missense variant.
Genome position (GRCh38, 1-based): chr22:37,073,594, G>A on the plus strand (C>T on the coding strand, the complement: TMPRSS6 is on the minus strand). VCF-style: chr22-37073594-G-A. GRCh37 (hg19) VCF-style: chr22-37469634-G-A.
Other names: c.1493C>T, p.Pro498Leu (NM_001289000.2, NM_001289001.2, NM_153609.4); short protein forms P498L.
Identifiers: ClinVar variation 341584 (VCV000341584.8), dbSNP rs138915369, ClinGen allele CA10215585.
Genomic context (GRCh38, chr22:37,073,594, plus strand): 5'-TCCTGGCACTGCTCTTCGTCGCTGCCGTTGAGACAATCAGGCTGCCCATCACAGACCTTG[G>A]GCAGTGAGATGCATGTGCTGTCCTCTTTGCACTGGAATGTGGCTCTGCAAACTGTGTGGG-3'
Protein context (NP_001361433.1, residues 488-508): CKEDSTCISL[Pro498Leu]KVCDGQPDCL

ClinVar aggregate classification (germline): Conflicting classifications of pathogenicity. Review status: criteria provided, conflicting classifications (1 of 4 stars). 4 submissions from 4 submitters: Uncertain significance (2); Likely benign (2). Last evaluated 2024-10-14.

Conditions:
Inborn genetic diseases. Identifiers: MedGen C0950123, MeSH D030342.
Microcytic anemia. Identifiers: MedGen C5194182, MONDO:0001245, HP:0001935. Disease mechanism: loss of function.

Allele frequency attached by ClinVar (database versions not stated): TOPMed 0.00012; gnomAD exomes 0.00019 and 0.00022; gnomAD 0.00021; ExAC 0.00023; ESP Exome Variant Server 0.00031.
gnomAD v4.1: 305 of 1,614,026 alleles (0.019%); highest among the groups gnomAD compares: Non-Finnish European, 0.022%; no homozygotes.

Submissions (4):

Blueprint Genetics
Classification: Likely benign. Last evaluated: 2024-10-14. Review status: criteria provided, single submitter. Criteria: ACMG Guidelines, 2015. Collection method: clinical testing. Allele origin: germline.

Labcorp Genetics (formerly Invitae), Labcorp
Classification: Uncertain significance. Last evaluated: 2024-08-09. Review status: criteria provided, single submitter. Criteria: Invitae Variant Classification Sherloc (09022015). Collection method: clinical testing. Allele origin: germline.
Comment: This sequence change replaces proline, which is neutral and non-polar, with leucine, which is neutral and non-polar, at codon 507 of the TMPRSS6 protein (p.Pro507Leu). This variant is present in population databases (rs138915369, gnomAD 0.04%). This variant has not been reported in the literature in individuals affected with TMPRSS6-related conditions. ClinVar contains an entry for this variant (Variation ID: 341584). An algorithm developed to predict the effect of missense changes on protein structure and function outputs the following: PolyPhen-2: "Benign". The leucine amino acid residue is found in multiple mammalian species, which suggests that this missense change does not adversely affect protein function. In summary, the available evidence is currently insufficient to determine the role of this variant in disease. Therefore, it has been classified as a Variant of Uncertain Significance.

Ambry Genetics
Classification: Likely benign for Inborn genetic diseases. Last evaluated: 2023-10-02. Review status: criteria provided, single submitter. Criteria: Ambry Variant Classification Scheme 2023. Collection method: clinical testing. Allele origin: germline.

Illumina Laboratory Services, Illumina
Classification: Uncertain significance for Iron-refractory iron deficiency anemia. Last evaluated: 2018-01-13. Review status: criteria provided, single submitter. Criteria: ICSL Variant Classification Criteria 13 December 2019. Collection method: clinical testing. Allele origin: germline.